The following is an entry in ClinVar:

NM_153240.5(NPHP3):c.1358T>C (p.Leu453Pro)

Genes: NPHP3 (nephrocystin 3; minus strand), NPHP3-ACAD11 (NPHP3-ACAD11 readthrough (NMD candidate); minus strand). Cytogenetic location: 3q22.1.
Variant type: single nucleotide variant.
Coding change: c.1358T>C on transcript NM_153240.5 (MANE Select); coding-DNA position 1358, T replaced by C.
Protein change: p.Leu453Pro; replaces leucine 453 with proline.
Molecular consequence: missense variant. On other transcripts: non-coding transcript variant (1).
Genome position (GRCh38, 1-based): chr3:132,704,364, A>G on the plus strand (T>C on the coding strand, the complement: NPHP3 is on the minus strand). VCF-style: chr3-132704364-A-G. GRCh37 (hg19) VCF-style: chr3-132423208-A-G.
Other names: short protein forms L453P.
Identifiers: ClinVar variation 3771825 (VCV003771825.13).

ClinVar aggregate classification (germline): Uncertain significance (1 of 4 stars; one submission).

gnomAD v4.1: 3 of 1,614,166 alleles (0.00019%); highest among the groups gnomAD compares: Non-Finnish European, 0.00025%; no homozygotes.

Submission:

CeGaT Center for Human Genetics Tuebingen
Classification: Uncertain significance. Last evaluated: 2024-12-01. Review status: criteria provided, single submitter. Criteria: CeGaT Center For Human Genetics Tuebingen Variant Classification Criteria Version 2. Collection method: clinical testing. Allele origin: germline. Affected: yes. Observed: 1 variant allele.
Comment: NPHP3: PM2, PM3, PP3